The following is an entry in ClinVar:

ClinVar aggregate classification (germline): Uncertain significance (1 of 4 stars; one submission).

Submission:

Ambry Genetics
Classification: Uncertain significance. Last evaluated: 2025-02-21. Review status: criteria provided, single submitter. Criteria: Ambry Variant Classification Scheme 2023. Collection method: clinical testing. Allele origin: germline.
Comment: The p.Y62C variant (also known as c.185A>G), located in coding exon 2 of the GEN1 gene, results from an A to G substitution at nucleotide position 185. The tyrosine at codon 62 is replaced by cysteine, an amino acid with highly dissimilar properties. This amino acid position is conserved. In addition, this alteration is predicted to be tolerated by in silico analysis. Based on the available evidence, the clinical significance of this variant remains unclear.

NM_001130009.3(GEN1):c.185A>G (p.Tyr62Cys)

Gene: GEN1 (GEN1 Holliday junction 5' flap endonuclease; plus strand). Cytogenetic location: 2p24.2.
Variant type: single nucleotide variant.
Coding change: c.185A>G on transcript NM_001130009.3 (MANE Select); coding-DNA position 185, A replaced by G.
Protein change: p.Tyr62Cys; replaces tyrosine 62 with cysteine.
Molecular consequence: missense variant.
Genome position (GRCh38, 1-based): chr2:17,761,419, A>G. VCF-style: chr2-17761419-A-G. GRCh37 (hg19) VCF-style: chr2-17942686-A-G.
Other names: c.185A>G, p.Tyr62Cys (NM_182625.5); short protein forms Y62C.
Identifiers: ClinVar variation 3853583 (VCV003853583.1).